The following is an entry in ClinVar:

ClinVar aggregate classification (germline): Uncertain significance (1 of 4 stars; one submission).

Conditions:
Early Myoclonic Encephalopathy. Identifiers: MedGen C0270855.

Submission:

Labcorp Genetics (formerly Invitae), Labcorp
Classification: Uncertain significance for Early Myoclonic Encephalopathy. Last evaluated: 2019-07-20. Review status: criteria provided, single submitter. Criteria: Invitae Variant Classification Sherloc (09022015). Collection method: clinical testing. Allele origin: germline.
Comment: In summary, the available evidence is currently insufficient to determine the role of this variant in disease. Therefore, it has been classified as a Variant of Uncertain Significance. Algorithms developed to predict the effect of sequence changes on RNA splicing suggest that this variant may create or strengthen a splice site, but this prediction has not been confirmed by published transcriptional studies. Algorithms developed to predict the effect of missense changes on protein structure and function are either unavailable or do not agree on the potential impact of this missense change (SIFT: "Deleterious"; PolyPhen-2: "Probably Damaging"; Align-GVGD: "Class C0"). This variant has not been reported in the literature in individuals with JMJD1C-related conditions. This variant is not present in population databases (ExAC no frequency). This sequence change replaces lysine with glutamic acid at codon 252 of the JMJD1C protein (p.Lys252Glu). The lysine residue is moderately conserved and there is a small physicochemical difference between lysine and glutamic acid.

NM_032776.3(JMJD1C):c.754A>G (p.Lys252Glu)

Gene: JMJD1C (jumonji domain containing 1C; minus strand). Cytogenetic location: 10q21.3.
Variant type: single nucleotide variant.
Coding change: c.754A>G on transcript NM_032776.3 (MANE Select); coding-DNA position 754, A replaced by G.
Protein change: p.Lys252Glu; replaces lysine 252 with glutamic acid.
Molecular consequence: missense variant. On other transcripts: 5 prime UTR variant (1), non-coding transcript variant (1).
Genome position (GRCh38, 1-based): chr10:63,215,621, T>C on the plus strand (A>G on the coding strand, the complement: JMJD1C is on the minus strand). VCF-style: chr10-63215621-T-C. GRCh37 (hg19) VCF-style: chr10-64975381-T-C.
Other names: c.208A>G, p.Lys70Glu (NM_001282948.2, NM_001318154.2); c.-115A>G (NM_001318153.2); c.640A>G, p.Lys214Glu (NM_001322252.2); c.97A>G, p.Lys33Glu (NM_001322254.2, NM_001322258.2); short protein forms K214E, K252E, K33E, K70E.
Identifiers: ClinVar variation 937908 (VCV000937908.9), dbSNP rs1847890552, ClinGen allele CA377052109.